The following is an entry in ClinVar:

NM_004369.4(COL6A3):c.8430dup (p.Arg2811fs)

Gene: COL6A3 (collagen type VI alpha 3 chain; minus strand). Cytogenetic location: 2q37.3.
Variant type: Duplication.
Coding change: c.8430dup on transcript NM_004369.4 (MANE Select); coding-DNA position 8430, one base duplicated (G; older notation c.8430dupG).
Protein change: p.Arg2811fs; shifts the reading frame from arginine 2811.
Molecular consequence: frameshift variant.
Genome position (GRCh38, 1-based): chr2:237,340,486, C duplicated on the plus strand (G on the coding strand, the reverse complement: COL6A3 is on the minus strand). VCF-style (leftmost placement, unchanged base first): chr2-237340485-G-GC. GRCh37 (hg19) VCF-style: chr2-238249128-G-GC.
Other names: c.6609dup, p.Arg2204fs (NM_057166.5); c.7812dup, p.Arg2605fs (NM_057167.4); short protein forms R2204fs, R2811fs, R2605fs.
Identifiers: ClinVar variation 2741190 (VCV002741190.3), dbSNP rs2469804002, ClinGen allele CA2697550601.

ClinVar aggregate classification (germline): Pathogenic (1 of 4 stars; one submission).

Conditions:
Bethlem myopathy 1A. Also called: Bethlem myopathy 1; Bethlem Muscular Dystrophy; MYOPATHY, BENIGN CONGENITAL, WITH CONTRACTURES. Identifiers: Orphanet 610, MedGen CN029274, MONDO:0024530, OMIM 158810.

Submission:

Labcorp Genetics (formerly Invitae), Labcorp
Classification: Pathogenic for Bethlem myopathy 1A. Last evaluated: 2025-11-24. Review status: criteria provided, single submitter. Criteria: Invitae Variant Classification Sherloc (09022015). Collection method: clinical testing. Allele origin: germline.
Comment: This sequence change creates a premature translational stop signal (p.Arg2811Alafs*13) in the COL6A3 gene. It is expected to result in an absent or disrupted protein product. Loss-of-function variants in COL6A3 are known to be pathogenic (PMID: 26004199). This variant is not present in population databases (gnomAD no frequency). This variant has not been reported in the literature in individuals affected with COL6A3-related conditions. ClinVar contains an entry for this variant (Variation ID: 2741190). For these reasons, this variant has been classified as Pathogenic.

Literature cited by the submitters: PubMed 26004199.